The following is an entry in ClinVar:

NM_017777.4(MKS1):c.1245T>A (p.Tyr415Ter)

Gene: MKS1 (MKS transition zone complex subunit 1; minus strand). Cytogenetic location: 17q22.
Variant type: single nucleotide variant.
Coding change: c.1245T>A on transcript NM_017777.4 (MANE Select); coding-DNA position 1245, T replaced by A.
Protein change: p.Tyr415Ter; replaces tyrosine 415 with a stop codon.
Molecular consequence: nonsense.
Genome position (GRCh38, 1-based): chr17:58,207,922, A>T on the plus strand (T>A on the coding strand, the complement: MKS1 is on the minus strand). VCF-style: chr17-58207922-A-T. GRCh37 (hg19) VCF-style: chr17-56285283-A-T.
Other names: c.636T>A, p.Tyr212Ter (NM_001321268.2); c.1245T>A, p.Tyr415Ter (NM_001321269.2, NM_001330397.2, NM_001411113.1); short protein forms Y212*, Y415*.
Identifiers: ClinVar variation 5012663 (VCV005012663.1).

ClinVar aggregate classification (germline): Pathogenic (1 of 4 stars; one submission).

Conditions:
Ciliopathy. Also called: Ciliopathies. Identifiers: Orphanet 363250, MedGen C4277690, MONDO:0005308, MeSH D000072661.

Submission:

Myriad Genetics, Inc.
Classification: Pathogenic for Ciliopathy. Last evaluated: 2024-01-21. Review status: criteria provided, single submitter. Criteria: Myriad Autosomal Dominant, Autosomal Recessive and X-Linked Classification Criteria (2023). Collection method: clinical testing. Allele origin: unknown.
Comment: NM_017777.3(MKS1):c.1245T>A(Y415*) is expected to be pathogenic in the context of MKS1-related disorders. This variant is predicted to lead to an abnormal or absent protein product due to the creation of a premature termination codon in MKS1, a gene where loss-of-function variants are known to be pathogenic. Please note: this variant was assessed in the context of healthy population screening.